The following is an entry in ClinVar:

NM_024809.5(TCTN2):c.1579G>A (p.Ala527Thr)

Gene: TCTN2 (tectonic family member 2; plus strand). Cytogenetic location: 12q24.31.
Variant type: single nucleotide variant.
Coding change: c.1579G>A on transcript NM_024809.5 (MANE Select); coding-DNA position 1579, G replaced by A.
Protein change: p.Ala527Thr; replaces alanine 527 with threonine.
Molecular consequence: missense variant.
Genome position (GRCh38, 1-based): chr12:123,699,777, G>A. VCF-style: chr12-123699777-G-A. GRCh37 (hg19) VCF-style: chr12-124184324-G-A.
Other names: c.1576G>A, p.Ala526Thr (NM_001143850.3); c.1579G>A (NM_024809.3); short protein forms A526T, A527T.
Identifiers: ClinVar variation 1374875 (VCV001374875.7), dbSNP rs760206821, ClinGen allele CA6861261.

ClinVar aggregate classification (germline): Conflicting classifications of pathogenicity. Review status: criteria provided, conflicting classifications (1 of 4 stars). 3 submissions from 3 submitters: Uncertain significance (2); Likely benign (1). Last evaluated 2025-06-29.

Conditions:
Joubert syndrome 24 (JBTS24). Identifiers: Orphanet 475, MedGen C4084841, MONDO:0014724, OMIM 616654.
Meckel syndrome, type 8. Identifiers: Orphanet 564, MedGen C3836857, MONDO:0013482, OMIM 613885.
Joubert syndrome. Also called: CEREBELLOPARENCHYMAL DISORDER IV; JOUBERT-BOLTSHAUSER SYNDROME; Familial aplasia of the vermis. Identifiers: Orphanet 475, MedGen C5979921, MONDO:0018772.
Meckel-Gruber syndrome. Also called: DYSENCEPHALIA SPLANCHNOCYSTICA; GRUBER SYNDROME; Dysencephalia splachnocystica. Identifiers: Orphanet 564, MedGen C0265215, MONDO:0018921.
Inborn genetic diseases. Identifiers: MedGen C0950123, MeSH D030342.

Allele frequency attached by ClinVar (database versions not stated): TOPMed 0.00002.
gnomAD v4.1: 53 of 1,613,994 alleles (0.0033%); highest among the groups gnomAD compares: Non-Finnish European, 0.0045%; no homozygotes.

Submissions (3):

Ambry Genetics
Classification: Likely benign for Inborn genetic diseases. Last evaluated: 2025-06-29. Review status: criteria provided, single submitter. Criteria: Ambry Variant Classification Scheme 2023. Collection method: clinical testing. Allele origin: germline.

Labcorp Genetics (formerly Invitae), Labcorp
Classification: Uncertain significance for Joubert syndrome; Meckel-Gruber syndrome. Last evaluated: 2022-07-04. Review status: criteria provided, single submitter. Criteria: Invitae Variant Classification Sherloc (09022015). Collection method: clinical testing. Allele origin: germline.
Comment: This sequence change replaces alanine, which is neutral and non-polar, with threonine, which is neutral and polar, at codon 527 of the TCTN2 protein (p.Ala527Thr). This variant is present in population databases (rs760206821, gnomAD 0.003%). This variant has not been reported in the literature in individuals affected with TCTN2-related conditions. ClinVar contains an entry for this variant (Variation ID: 1374875). Algorithms developed to predict the effect of missense changes on protein structure and function output the following: SIFT: "Tolerated"; PolyPhen-2: "Benign"; Align-GVGD: "Class C0". The threonine amino acid residue is found in multiple mammalian species, which suggests that this missense change does not adversely affect protein function. In summary, the available evidence is currently insufficient to determine the role of this variant in disease. Therefore, it has been classified as a Variant of Uncertain Significance.

Fulgent Genetics
Classification: Uncertain significance for Meckel syndrome, type 8; Joubert syndrome 24. Last evaluated: 2021-10-19. Review status: criteria provided, single submitter. Criteria: ACMG Guidelines, 2015. Collection method: clinical testing. Allele origin: unknown.